The following is an entry in ClinVar:

ClinVar aggregate classification (germline): Uncertain significance (0 of 4 stars; one submission).

Conditions:
SETD1B-related disorder. Also called: SETD1B-related condition.

Allele frequency attached by ClinVar (database versions not stated): gnomAD exomes below 0.00001.
gnomAD v4.1: 2 of 1,538,368 alleles (0.00013%); highest among the groups gnomAD compares: South Asian, 0.0012%; no homozygotes.

Submission:

PreventionGenetics, part of Exact Sciences
Classification: Uncertain significance for SETD1B-related condition. Last evaluated: 2024-01-22. Review status: no assertion criteria provided. Collection method: clinical testing. Allele origin: germline.
Comment: The SETD1B c.4432C>T variant is predicted to result in the amino acid substitution p.Arg1478Trp. To our knowledge, this variant has not been reported in the literature. This variant is reported in 0.0045% of alleles in individuals of South Asian descent in gnomAD. At this time, the clinical significance of this variant is uncertain due to the absence of conclusive functional and genetic evidence.

NM_001353345.2(SETD1B):c.4561C>T (p.Arg1521Trp)

Gene: SETD1B (SET domain containing 1B, histone lysine methyltransferase; plus strand). Cytogenetic location: 12q24.31.
Variant type: single nucleotide variant.
Coding change: c.4561C>T on transcript NM_001353345.2 (MANE Select); coding-DNA position 4561, C replaced by T.
Protein change: p.Arg1521Trp; replaces arginine 1521 with tryptophan.
Molecular consequence: missense variant.
Genome position (GRCh38, 1-based): chr12:121,823,140, C>T. VCF-style: chr12-121823140-C-T. GRCh37 (hg19) VCF-style: chr12-122261046-C-T.
Other names: NM_015048.1:c.4432C>T; short protein forms R1521W.
Identifiers: ClinVar variation 3043827 (VCV003043827.2), dbSNP rs1485712294, ClinGen allele CA386999257.